The following is an entry in ClinVar:

ClinVar aggregate classification (germline): Uncertain significance (1 of 4 stars; one submission).

Submission:

Labcorp Genetics (formerly Invitae), Labcorp
Classification: Uncertain significance. Last evaluated: 2025-02-19. Review status: criteria provided, single submitter. Criteria: Invitae Variant Classification Sherloc (09022015). Collection method: clinical testing. Allele origin: germline.
Comment: This sequence change replaces alanine, which is neutral and non-polar, with valine, which is neutral and non-polar, at codon 886 of the AP3D1 protein (p.Ala886Val). This variant is not present in population databases (gnomAD no frequency). This variant has not been reported in the literature in individuals affected with AP3D1-related conditions. ClinVar contains an entry for this variant (Variation ID: 2891294). An algorithm developed to predict the effect of missense changes on protein structure and function (PolyPhen-2) suggests that this variant is likely to be tolerated. In summary, the available evidence is currently insufficient to determine the role of this variant in disease. Therefore, it has been classified as a Variant of Uncertain Significance.

NM_001261826.3(AP3D1):c.2657C>T (p.Ala886Val)

Gene: AP3D1 (adaptor related protein complex 3 subunit delta 1; minus strand). Cytogenetic location: 19p13.3.
Variant type: single nucleotide variant.
Coding change: c.2657C>T on transcript NM_001261826.3 (MANE Select); coding-DNA position 2657, C replaced by T.
Protein change: p.Ala886Val; replaces alanine 886 with valine.
Molecular consequence: missense variant. On other transcripts: intron variant (1).
Genome position (GRCh38, 1-based): chr19:2,113,358, G>A on the plus strand (C>T on the coding strand, the complement: AP3D1 is on the minus strand). VCF-style: chr19-2113358-G-A. GRCh37 (hg19) VCF-style: chr19-2113357-G-A.
Other names: c.2657C>T, p.Ala886Val (NM_001374799.1); c.2601+767C>T (NM_003938.8); short protein forms A886V.
Identifiers: ClinVar variation 2891294 (VCV002891294.3), dbSNP rs2018343062, ClinGen allele CA403207131.